The following is an entry in ClinVar:

ClinVar aggregate classification (germline): Uncertain significance (1 of 4 stars; one submission).

Conditions:
Duchenne muscular dystrophy (DMD). Also called: Duchenne Muscular Dystrophy (DMD); MUSCULAR DYSTROPHY, PSEUDOHYPERTROPHIC PROGRESSIVE, DUCHENNE TYPE. Identifiers: Orphanet 98896, MedGen C0013264, MONDO:0010679, OMIM 310200.

Submission:

Labcorp Genetics (formerly Invitae), Labcorp
Classification: Uncertain significance for Duchenne muscular dystrophy. Last evaluated: 2025-02-07. Review status: criteria provided, single submitter. Criteria: Invitae Variant Classification Sherloc (09022015). Collection method: clinical testing. Allele origin: germline.
Comment: This sequence change replaces histidine, which is basic and polar, with leucine, which is neutral and non-polar, at codon 1504 of the DMD protein (p.His1504Leu). This variant is not present in population databases (gnomAD no frequency). This variant has not been reported in the literature in individuals affected with DMD-related conditions. Invitae Evidence Modeling of protein sequence and biophysical properties (such as structural, functional, and spatial information, amino acid conservation, physicochemical variation, residue mobility, and thermodynamic stability) indicates that this missense variant is not expected to disrupt DMD protein function with a negative predictive value of 95%. In summary, the available evidence is currently insufficient to determine the role of this variant in disease. Therefore, it has been classified as a Variant of Uncertain Significance.

NM_004006.3(DMD):c.4511A>T (p.His1504Leu)

Gene: DMD (dystrophin; minus strand). Cytogenetic location: Xp21.1.
Variant type: single nucleotide variant.
Coding change: c.4511A>T on transcript NM_004006.3 (MANE Select); coding-DNA position 4511, A replaced by T.
Protein change: p.His1504Leu; replaces histidine 1504 with leucine.
Molecular consequence: missense variant.
Genome position (GRCh38, 1-based): chrX:32,389,508, T>A on the plus strand (A>T on the coding strand, the complement: DMD is on the minus strand). VCF-style: chrX-32389508-T-A. GRCh37 (hg19) VCF-style: chrX-32407625-T-A.
Other names: c.4487A>T, p.His1496Leu (NM_000109.4); c.4499A>T, p.His1500Leu (NM_004009.3); c.4142A>T, p.His1381Leu (NM_004010.3); c.488A>T, p.His163Leu (NM_004011.4); c.479A>T, p.His160Leu (NM_004012.4); short protein forms H1381L, H1496L, H1500L, H1504L, H160L, H163L.
Identifiers: ClinVar variation 4800966 (VCV004800966.1).